The following is an entry in ClinVar:

NM_001369.3(DNAH5):c.11570+4C>T

Gene: DNAH5 (dynein axonemal heavy chain 5; minus strand). Cytogenetic location: 5p15.2.
Variant type: single nucleotide variant.
Coding change: c.11570+4C>T on transcript NM_001369.3 (MANE Select); 4 bases into the intron after coding-DNA position 11570, C replaced by T.
Molecular consequence: intron variant.
Genome position (GRCh38, 1-based): chr5:13,735,814, G>A on the plus strand (C>T on the coding strand, the complement: DNAH5 is on the minus strand). VCF-style: chr5-13735814-G-A. GRCh37 (hg19) VCF-style: chr5-13735923-G-A.
Identifiers: ClinVar variation 257981 (VCV000257981.16), dbSNP rs771601699, ClinGen allele CA3201927.

ClinVar aggregate classification (germline): Benign/Likely benign. Review status: criteria provided, multiple submitters, no conflicts (2 of 4 stars). 5 submissions from 5 submitters: Benign (1); Likely benign (4). Last evaluated 2026-09-01.

Conditions:
Primary ciliary dyskinesia. Also called: Ciliary dyskinesia. Identifiers: Orphanet 244, MedGen C0008780, MONDO:0016575, HP:0012265.

Allele frequency attached by ClinVar (database versions not stated): gnomAD 0.00002 and 0.00007; TOPMed 0.00003; gnomAD exomes 0.00018 and 0.00027; ExAC 0.00032.
gnomAD v4.1: 284 of 1,611,460 alleles (0.018%); highest among the groups gnomAD compares: South Asian, 0.19%; 5 homozygotes.

Submissions (5):

CeGaT Center for Human Genetics Tuebingen
Classification: Likely benign. Last evaluated: 2026-09-01. Review status: criteria provided, single submitter. Criteria: CeGaT Center For Human Genetics Tuebingen Variant Classification Criteria Version 2. Collection method: clinical testing. Allele origin: germline. Affected: yes. Observed: 1 variant allele.
Comment: DNAH5: BP4, BS2

Ambry Genetics
Classification: Benign for Primary ciliary dyskinesia. Last evaluated: 2026-04-01. Review status: criteria provided, single submitter. Criteria: Ambry Variant Classification Scheme 2023. Collection method: clinical testing. Allele origin: germline.

Labcorp Genetics (formerly Invitae), Labcorp
Classification: Likely benign for Primary ciliary dyskinesia. Last evaluated: 2026-01-25. Review status: criteria provided, single submitter. Criteria: Invitae Variant Classification Sherloc (09022015). Collection method: clinical testing. Allele origin: germline.

Blueprint Genetics
Classification: Likely benign. Last evaluated: 2024-10-30. Review status: criteria provided, single submitter. Criteria: ACMG Guidelines, 2015. Collection method: clinical testing. Allele origin: germline.

PreventionGenetics, part of Exact Sciences
Classification: Likely benign. Review status: criteria provided, single submitter. Criteria: ACMG Guidelines, 2015. Collection method: clinical testing. Allele origin: germline.